The following is an entry in ClinVar:

NM_000071.3(CBS):c.1223+118G>C

Gene: CBS (cystathionine beta-synthase; minus strand). Cytogenetic location: 21q22.3.
Variant type: single nucleotide variant.
Coding change: c.1223+118G>C on transcript NM_000071.3 (MANE Select); 118 bases into the intron after coding-DNA position 1223, G replaced by C.
Molecular consequence: intron variant.
Genome position (GRCh38, 1-based): chr21:43,059,108, C>G on the plus strand (G>C on the coding strand, the complement: CBS is on the minus strand). VCF-style: chr21-43059108-C-G. GRCh37 (hg19) VCF-style: chr21-44479218-C-G.
Other names: c.1223+118G>C (NM_001320298.2, NM_001178009.3, NM_001178008.3); c.908+118G>C (NM_001321072.1).
Identifiers: ClinVar variation 4982680 (VCV004982680.1).

ClinVar aggregate classification (germline): Likely benign (1 of 4 stars; one submission).

Conditions:
CBS-related disorder. Also called: CBS-related condition.

Submission:

PreventionGenetics, part of Exact Sciences
Classification: Likely benign for CBS-related condition. Last evaluated: 2026-05-05. Review status: criteria provided, single submitter. Criteria: ACMG Guidelines, 2015. Collection method: clinical testing. Allele origin: germline.
Comment: This variant is classified as likely benign based on ACMG/AMP sequence variant interpretation guidelines (Richards et al. 2015 PMID: 25741868, with internal and published modifications).